The following is an entry in ClinVar:

ClinVar aggregate classification (germline): Likely benign (1 of 4 stars; one submission).

Allele frequency attached by ClinVar (database versions not stated): ExAC 0.00010; TOPMed 0.00011; gnomAD 0.00004.
gnomAD v4.1: 67 of 1,614,092 alleles (0.0042%); highest among the groups gnomAD compares: East Asian, 0.13%; 1 homozygote.

Submission:

CeGaT Center for Human Genetics Tuebingen
Classification: Likely benign. Last evaluated: 2024-06-01. Review status: criteria provided, single submitter. Criteria: CeGaT Center For Human Genetics Tuebingen Variant Classification Criteria Version 2. Collection method: clinical testing. Allele origin: germline. Affected: yes. Observed: 1 variant allele.
Comment: TBX1: BP4, BP7

NM_005992.1(TBX1):c.1010-3518C>T

Gene: TBX1 (T-box transcription factor 1; plus strand). Cytogenetic location: 22q11.21.
Variant type: single nucleotide variant.
Coding change: c.1010-3518C>T on transcript NM_005992.1; 3518 bases into the intron before coding-DNA position 1010, C replaced by T.
Molecular consequence: intron variant. On other transcripts: synonymous variant (1).
Genome position (GRCh38, 1-based): chr22:19,779,395, C>T. VCF-style: chr22-19779395-C-T. GRCh37 (hg19) VCF-style: chr22-19766918-C-T.
Other names: c.1185C>T, p.Asp395= (NM_080646.2).
Identifiers: ClinVar variation 3250725 (VCV003250725.17), dbSNP rs765655371.